The following is an entry in ClinVar:

ClinVar aggregate classification (germline): Conflicting classifications of pathogenicity. Review status: criteria provided, conflicting classifications (1 of 4 stars). 6 submissions from 4 submitters: Uncertain significance (1); Benign (2); Likely benign (3). Last evaluated 2025-07-24.

Conditions:
Cardiovascular phenotype. Identifiers: MedGen CN230736.
Atrial fibrillation, familial, 9 (ATFB9). Identifiers: MedGen C3151431, MONDO:0013513, OMIM 613980.
Andersen Tawil syndrome (LQT7). Also called: ANDERSEN CARDIODYSRHYTHMIC PERIODIC PARALYSIS; LONG QT SYNDROME 7; PERIODIC PARALYSIS, POTASSIUM-SENSITIVE CARDIODYSRHYTHMIC TYPE; Andersen Syndrome; Potassium-sensitive periodic paralysis, ventricular ectopy, and dysmorphic features. Identifiers: Orphanet 37553, MedGen C1563715, MONDO:0008222, OMIM 170390.
Short QT syndrome type 3. Identifiers: Orphanet 51083, MedGen C1865018, MONDO:0012314, OMIM 609622.

Allele frequency attached by ClinVar (database versions not stated): gnomAD 0.00001; gnomAD exomes 0.00003 and 0.00005; TOPMed 0.00003; ExAC 0.00007; 1000 Genomes Project 0.00020; 1000 Genomes Project 30x 0.00031.
gnomAD v4.1: 46 of 1,613,914 alleles (0.0029%); highest among the groups gnomAD compares: South Asian, 0.036%; no homozygotes.

Submissions (6):

Molecular Diagnostic Laboratory for Inherited Cardiovascular Disease, Montreal Heart Institute
Classification: Likely benign. Last evaluated: 2025-07-24. Review status: criteria provided, single submitter. Criteria: ACMG Guidelines, 2015. Collection method: clinical testing. Allele origin: germline. Affected: no.

Labcorp Genetics (formerly Invitae), Labcorp
Classification: Likely benign for Short QT syndrome type 3; Andersen Tawil syndrome. Last evaluated: 2024-08-29. Review status: criteria provided, single submitter. Criteria: Invitae Variant Classification Sherloc (09022015). Collection method: clinical testing. Allele origin: germline.

Ambry Genetics
Classification: Likely benign for Cardiovascular phenotype. Last evaluated: 2020-08-30. Review status: criteria provided, single submitter. Criteria: Ambry Variant Classification Scheme 2023. Collection method: clinical testing. Allele origin: germline.

Illumina Laboratory Services, Illumina
Classification: Benign for Short QT syndrome type 3. Last evaluated: 2017-04-27. Review status: criteria provided, single submitter. Criteria: ICSL Variant Classification Criteria 13 December 2019. Collection method: clinical testing. Allele origin: germline.
Comment: This variant was observed as part of a predisposition screen in an ostensibly healthy population. A literature search was performed for the gene, cDNA change, and amino acid change (where applicable). No publications were found based on this search. Allele frequency data from public databases was too high to be consistent with this variant causing disease. Therefore, this variant is classified as benign.

Illumina Laboratory Services, Illumina
Classification: Uncertain significance for Atrial fibrillation, familial, 9. Last evaluated: 2017-04-27. Review status: criteria provided, single submitter. Criteria: ICSL Variant Classification Criteria 13 December 2019. Collection method: clinical testing. Allele origin: germline.

Illumina Laboratory Services, Illumina
Classification: Benign for Andersen Tawil syndrome. Last evaluated: 2017-04-27. Review status: criteria provided, single submitter. Criteria: ICSL Variant Classification Criteria 13 December 2019. Collection method: clinical testing. Allele origin: germline.
Comment: the same text as in the submission from Illumina Laboratory Services, Illumina above.

NM_000891.3(KCNJ2):c.1275G>A (p.Ser425=)

Gene: KCNJ2 (potassium inwardly rectifying channel subfamily J member 2; plus strand). Cytogenetic location: 17q24.3.
Variant type: single nucleotide variant.
Coding change: c.1275G>A on transcript NM_000891.3 (MANE Select); coding-DNA position 1275, G replaced by A.
Protein change: p.Ser425=; no amino-acid change (serine 425 retained).
Molecular consequence: synonymous variant.
Genome position (GRCh38, 1-based): chr17:70,176,314, G>A. VCF-style: chr17-70176314-G-A. GRCh37 (hg19) VCF-style: chr17-68172455-G-A.
Identifiers: ClinVar variation 889525 (VCV000889525.11), dbSNP rs555386610, ClinGen allele CA8738819.